The following is an entry in ClinVar:

ClinVar aggregate classification (germline): Likely benign. Review status: criteria provided, multiple submitters, no conflicts (2 of 4 stars). 3 submissions from 3 submitters: Likely benign (3). Last evaluated 2025-02-20.

Conditions:
CEP290-related disorder. Also called: CEP290-related disorders; CEP290-related condition. Identifiers: MedGen CN239314.
Nephronophthisis. Also called: Juvenile Nephronophthisis. Identifiers: Orphanet 655, MedGen C0687120, MONDO:0019005, HP:0000090.
Meckel-Gruber syndrome. Also called: Dysencephalia splachnocystica; DYSENCEPHALIA SPLANCHNOCYSTICA; GRUBER SYNDROME. Identifiers: Orphanet 564, MedGen C0265215, MONDO:0018921.
Joubert syndrome. Also called: JOUBERT-BOLTSHAUSER SYNDROME; Familial aplasia of the vermis. Identifiers: Orphanet 475, MedGen C5979921, MONDO:0018772.

gnomAD v4.1: 16 of 1,232,464 alleles (0.0013%); highest among the groups gnomAD compares: Middle Eastern, 0.041%; no homozygotes.

Submissions (3):

PreventionGenetics, part of Exact Sciences
Classification: Likely benign for CEP290-related condition. Last evaluated: 2025-02-20. Review status: criteria provided, single submitter. Criteria: ACMG Guidelines, 2015. Collection method: clinical testing. Allele origin: germline.
Comment: This variant is classified as likely benign based on ACMG/AMP sequence variant interpretation guidelines (Richards et al. 2015 PMID: 25741868, with internal and published modifications).

Blueprint Genetics
Classification: Likely benign. Last evaluated: 2024-10-22. Review status: criteria provided, single submitter. Criteria: ACMG Guidelines, 2015. Collection method: clinical testing. Allele origin: germline.

Labcorp Genetics (formerly Invitae), Labcorp
Classification: Likely benign for Joubert syndrome; Meckel-Gruber syndrome; Nephronophthisis. Last evaluated: 2024-09-28. Review status: criteria provided, single submitter. Criteria: Invitae Variant Classification Sherloc (09022015). Collection method: clinical testing. Allele origin: germline.

NM_025114.4(CEP290):c.4087C>A (p.Arg1363=)

Gene: CEP290 (centrosomal protein 290; minus strand). Cytogenetic location: 12q21.32.
Variant type: single nucleotide variant.
Coding change: c.4087C>A on transcript NM_025114.4 (MANE Select); coding-DNA position 4087, C replaced by A.
Protein change: p.Arg1363=; no amino-acid change (arginine 1363 retained).
Molecular consequence: synonymous variant.
Genome position (GRCh38, 1-based): chr12:88,087,887, G>T on the plus strand (C>A on the coding strand, the complement: CEP290 is on the minus strand). VCF-style: chr12-88087887-G-T. GRCh37 (hg19) VCF-style: chr12-88481664-G-T.
Other names: c.4087C>A (NM_025114.3).
Identifiers: ClinVar variation 1094378 (VCV001094378.11), dbSNP rs181121175, ClinGen allele CA6712029.
Genomic context (GRCh38, chr12:88,087,887, plus strand): 5'-CATATTCAGAAATTATGTTATTCAAATATTTTATTTCTTCTTTATCCTTGACTAATTCCC[G>T]ATTTAGTTTAAGTTCTTGAAGACGAAGTTCTTCTATTTTCATATGCCAGTTGATTACCTA-3'
Protein context (NP_079390.3, residues 1353-1373): ELRLQELKLN[Arg1363=]ELVKDKEEIK